The following is an entry in ClinVar:

NM_030667.3(PTPRO):c.23T>C (p.Ile8Thr)

Gene: PTPRO (protein tyrosine phosphatase receptor type O; plus strand). Cytogenetic location: 12p12.3.
Variant type: single nucleotide variant.
Coding change: c.23T>C on transcript NM_030667.3 (MANE Select); coding-DNA position 23, T replaced by C.
Protein change: p.Ile8Thr; replaces isoleucine 8 with threonine.
Molecular consequence: missense variant.
Genome position (GRCh38, 1-based): chr12:15,322,749, T>C. VCF-style: chr12-15322749-T-C. GRCh37 (hg19) VCF-style: chr12-15475683-T-C.
Other names: c.23T>C, p.Ile8Thr (NM_002848.4); short protein forms I8T.
Identifiers: ClinVar variation 2128433 (VCV002128433.4), dbSNP rs2539571503, ClinGen allele CA384056752.

ClinVar aggregate classification (germline): Uncertain significance (1 of 4 stars; one submission).

Submission:

Labcorp Genetics (formerly Invitae), Labcorp
Classification: Uncertain significance. Last evaluated: 2024-09-05. Review status: criteria provided, single submitter. Criteria: Invitae Variant Classification Sherloc (09022015). Collection method: clinical testing. Allele origin: germline.
Comment: This sequence change replaces isoleucine, which is neutral and non-polar, with threonine, which is neutral and polar, at codon 8 of the PTPRO protein (p.Ile8Thr). This variant is not present in population databases (gnomAD no frequency). This variant has not been reported in the literature in individuals affected with PTPRO-related conditions. ClinVar contains an entry for this variant (Variation ID: 2128433). An algorithm developed to predict the effect of missense changes on protein structure and function outputs the following: PolyPhen-2: "Benign". The threonine amino acid residue is found in multiple mammalian species, which suggests that this missense change does not adversely affect protein function. In summary, the available evidence is currently insufficient to determine the role of this variant in disease. Therefore, it has been classified as a Variant of Uncertain Significance.